The following is an entry in ClinVar:

NM_145691.4(ATPAF2):c.712C>T (p.Arg238Cys)

Gene: ATPAF2 (ATP synthase mitochondrial F1 complex assembly factor 2; minus strand). Cytogenetic location: 17p11.2.
Variant type: single nucleotide variant.
Coding change: c.712C>T on transcript NM_145691.4 (MANE Select); coding-DNA position 712, C replaced by T.
Protein change: p.Arg238Cys; replaces arginine 238 with cysteine.
Molecular consequence: missense variant.
Genome position (GRCh38, 1-based): chr17:18,021,143, G>A on the plus strand (C>T on the coding strand, the complement: ATPAF2 is on the minus strand). VCF-style: chr17-18021143-G-A. GRCh37 (hg19) VCF-style: chr17-17924457-G-A.
Other names: c.712C>T (NM_145691.3); short protein forms R238C.
Identifiers: ClinVar variation 2959651 (VCV002959651.4), dbSNP rs761788938, ClinGen allele CA8421774.
Genomic context (GRCh38, chr17:18,021,143, plus strand): 5'-CTAGGAAGGGGGAGGCGGGACCTGAGGTGCTGCTCCTCACCTGGTACTCCTCCTCCAGGC[G>A]TGACAGCAGCACGGCCTGCTCCACTGTCAGGCGCAGGTCAATCAGGCCCAAGGTTAGCAC-3'
Protein context (NP_663729.1, residues 228-248): LTVEQAVLLS[Arg238Cys]LEEEYQIQKW

ClinVar aggregate classification (germline): Uncertain significance. Review status: criteria provided, multiple submitters, no conflicts (2 of 4 stars). 2 submissions from 2 submitters: Uncertain significance (2). Last evaluated 2023-10-17.

Allele frequency attached by ClinVar (database versions not stated): ExAC 0.00004; gnomAD exomes 0.00006; TOPMed 0.00007; gnomAD 0.00008.
gnomAD v4.1: 102 of 1,613,636 alleles (0.0063%); highest among the groups gnomAD compares: Non-Finnish European, 0.0081%; no homozygotes.

Submissions (2):

Ambry Genetics
Classification: Uncertain significance. Last evaluated: 2023-10-17. Review status: criteria provided, single submitter. Criteria: Ambry Variant Classification Scheme 2023. Collection method: clinical testing. Allele origin: germline.

Labcorp Genetics (formerly Invitae), Labcorp
Classification: Uncertain significance. Last evaluated: 2023-07-08. Review status: criteria provided, single submitter. Criteria: Invitae Variant Classification Sherloc (09022015). Collection method: clinical testing. Allele origin: germline.
Comment: In summary, the available evidence is currently insufficient to determine the role of this variant in disease. Therefore, it has been classified as a Variant of Uncertain Significance. Advanced modeling of protein sequence and biophysical properties (such as structural, functional, and spatial information, amino acid conservation, physicochemical variation, residue mobility, and thermodynamic stability) performed at Invitae indicates that this missense variant is expected to disrupt ATPAF2 protein function. This variant has not been reported in the literature in individuals affected with ATPAF2-related conditions. This variant is present in population databases (rs761788938, gnomAD 0.005%). This sequence change replaces arginine, which is basic and polar, with cysteine, which is neutral and slightly polar, at codon 238 of the ATPAF2 protein (p.Arg238Cys).